The following is an entry in ClinVar:

ClinVar aggregate classification (germline): Uncertain significance (1 of 4 stars; one submission).

gnomAD v4.1: 5 of 1,614,118 alleles (0.00031%); highest among the groups gnomAD compares: African/African-American, 0.0067%; no homozygotes.

Submission:

GeneDx
Classification: Uncertain significance. Last evaluated: 2026-01-30. Review status: criteria provided, single submitter. Criteria: GeneDx Variant Classification Process June 2021. Collection method: clinical testing. Allele origin: germline.
Comment: Not observed at significant frequency in large population cohorts (gnomAD); In silico analysis suggests that this missense variant does not alter protein structure/function; Has not been previously published as pathogenic or benign to our knowledge

NM_005506.4(SCARB2):c.1303A>G (p.Ile435Val)

Gene: SCARB2 (scavenger receptor class B member 2; minus strand). Cytogenetic location: 4q21.1.
Variant type: single nucleotide variant.
Coding change: c.1303A>G on transcript NM_005506.4 (MANE Select); coding-DNA position 1303, A replaced by G.
Protein change: p.Ile435Val; replaces isoleucine 435 with valine.
Molecular consequence: missense variant.
Genome position (GRCh38, 1-based): chr4:76,163,320, T>C on the plus strand (A>G on the coding strand, the complement: SCARB2 is on the minus strand). VCF-style: chr4-76163320-T-C. GRCh37 (hg19) VCF-style: chr4-77084473-T-C.
Other names: c.874A>G, p.Ile292Val (NM_001204255.2); short protein forms I292V, I435V.
Identifiers: ClinVar variation 4975615 (VCV004975615.1).
Genomic context (GRCh38, chr4:76,163,320, plus strand): 5'-AGGTAAAAACCAAACCAAAGAACACACCCAGCGCCATGATGATGTAGGGTATGTTGGTGA[T>C]GATCAAAGTAGTGTTAATCATAGACTTCAGTCGACTCGCCGTCTCTTTATCAATGTGAAC-3'
Protein context (NP_005497.1, residues 425-445): LKSMINTTLI[Ile435Val]TNIPYIIMAL